The following is an entry in ClinVar:

ClinVar aggregate classification (germline): Benign. Review status: criteria provided, multiple submitters, no conflicts (2 of 4 stars). 2 submissions from 2 submitters: Benign (2). Last evaluated 2016-03-28.

Allele frequency attached by ClinVar (database versions not stated): ExAC 0.70764; gnomAD exomes 0.75117.

Submissions (2):

Laboratory for Molecular Medicine, Mass General Brigham Personalized Medicine
Classification: Benign. Last evaluated: 2016-03-28. Review status: criteria provided, single submitter. Criteria: LMM Criteria. Collection method: clinical testing. Allele origin: germline.
Comment: Variant identified in a genome or exome case(s) and assessed due to predicted null impact of the variant or pathogenic assertions in the literature or databases. Disclaimer: This variant has not undergone full assessment. The following are preliminary notes: Frequency

Breakthrough Genomics
Classification: Benign. Review status: criteria provided, single submitter. Criteria: ACMG Guidelines, 2015. Collection method: not provided. Allele origin: germline. Inheritance: Unknown mechanism. Affected: yes.

NM_001164462.2(MUC12):c.13695C>T (p.Ser4565=)

Gene: MUC12 (mucin 12, cell surface associated; plus strand). Cytogenetic location: 7q22.1.
Variant type: single nucleotide variant.
Coding change: c.13695C>T on transcript NM_001164462.2 (MANE Select); coding-DNA position 13695, C replaced by T.
Protein change: p.Ser4565=; no amino-acid change (serine 4565 retained).
Molecular consequence: synonymous variant.
Genome position (GRCh38, 1-based): chr7:101,004,258, C>T. VCF-style: chr7-101004258-C-T. GRCh37 (hg19) VCF-style: chr7-100647539-C-T.
Identifiers: ClinVar variation 403116 (VCV000403116.5), dbSNP rs79635145, ClinGen allele CA4400336.